The following is an entry in ClinVar:

ClinVar aggregate classification (germline): Uncertain significance (1 of 4 stars; one submission).

Conditions:
Pyruvate dehydrogenase E3 deficiency (DLDD). Also called: Dihydrolipoamide Dehydrogenase E3 Deficiency; MAPLE SYRUP URINE DISEASE, TYPE III; Dihydrolipoamide Dehydrogenase (E3) Deficiency; DLD DEFICIENCY; E3 DEFICIENCY; Lipoamide dehydrogenase deficiency, lactic acidosis due to. Identifiers: Orphanet 2394, Orphanet 765, MedGen C5574660, MONDO:0009529, OMIM 246900.

Allele frequency attached by ClinVar (database versions not stated): gnomAD 0.00003; gnomAD exomes 0.00003; TOPMed 0.00004; ExAC 0.00007.
gnomAD v4.1: 53 of 1,613,880 alleles (0.0033%); highest among the groups gnomAD compares: Middle Eastern, 0.033%; 1 homozygote.

Submission:

Labcorp Genetics (formerly Invitae), Labcorp
Classification: Uncertain significance for Pyruvate dehydrogenase E3 deficiency. Last evaluated: 2022-08-19. Review status: criteria provided, single submitter. Criteria: Invitae Variant Classification Sherloc (09022015). Collection method: clinical testing. Allele origin: germline.
Comment: This sequence change replaces serine, which is neutral and polar, with leucine, which is neutral and non-polar, at codon 446 of the DLD protein (p.Ser446Leu). This variant is present in population databases (rs757220945, gnomAD 0.006%). This variant has not been reported in the literature in individuals affected with DLD-related conditions. Algorithms developed to predict the effect of missense changes on protein structure and function (SIFT, PolyPhen-2, Align-GVGD) all suggest that this variant is likely to be tolerated. In summary, the available evidence is currently insufficient to determine the role of this variant in disease. Therefore, it has been classified as a Variant of Uncertain Significance.

NM_000108.5(DLD):c.1337C>T (p.Ser446Leu)

Gene: DLD (dihydrolipoamide dehydrogenase; plus strand). Cytogenetic location: 7q31.1.
Variant type: single nucleotide variant.
Coding change: c.1337C>T on transcript NM_000108.5 (MANE Select); coding-DNA position 1337, C replaced by T.
Protein change: p.Ser446Leu; replaces serine 446 with leucine.
Molecular consequence: missense variant.
Genome position (GRCh38, 1-based): chr7:107,918,024, C>T. VCF-style: chr7-107918024-C-T. GRCh37 (hg19) VCF-style: chr7-107558469-C-T.
Other names: c.1040C>T, p.Ser347Leu (NM_001289750.1); c.1268C>T, p.Ser423Leu (NM_001289751.1); c.1193C>T, p.Ser398Leu (NM_001289752.1); short protein forms S347L, S398L, S423L, S446L.
Identifiers: ClinVar variation 2052127 (VCV002052127.1), dbSNP rs757220945, ClinGen allele CA4434683.
Genomic context (GRCh38, chr7:107,918,024, plus strand): 5'-ACAGCAGAGCTAAGACAAATGCTGACACAGATGGCATGGTGAAGATCCTTGGGCAGAAAT[C>T]GACAGACAGAGTACTGGGAGCACATATTCTTGGACCAGTGAGTATTGTAAAACCAGAGAA-3'
Protein context (NP_000099.2, residues 436-456): DGMVKILGQK[Ser446Leu]TDRVLGAHIL